The following is an entry in ClinVar:

ClinVar aggregate classification (germline): Likely benign (0 of 4 stars; one submission).

Conditions:
UBA5-related disorder. Also called: UBA5-related disorders; UBA5-related condition.

Allele frequency attached by ClinVar (database versions not stated): TOPMed 0.00002; gnomAD 0.00006; gnomAD exomes 0.00015; 1000 Genomes Project 30x 0.00031; 1000 Genomes Project 0.00040; ExAC 0.00088.
gnomAD v4.1: 213 of 1,548,102 alleles (0.014%); highest among the groups gnomAD compares: South Asian, 0.24%; 2 homozygotes.

Submission:

PreventionGenetics, part of Exact Sciences
Classification: Likely benign for UBA5-related condition. Last evaluated: 2023-01-04. Review status: no assertion criteria provided. Collection method: clinical testing. Allele origin: germline.
Comment: This variant is classified as likely benign based on ACMG/AMP sequence variant interpretation guidelines (Richards et al. 2015 PMID: 25741868, with internal and published modifications).

NM_024818.6(UBA5):c.-9G>A

Genes: NPHP3-ACAD11 (NPHP3-ACAD11 readthrough (NMD candidate); minus strand), UBA5 (ubiquitin like modifier activating enzyme 5; plus strand). Cytogenetic location: 3q22.1.
Variant type: single nucleotide variant.
Coding change: c.-9G>A on transcript NM_024818.6 (MANE Select); 9 bases upstream of the start codon, G replaced by A.
Molecular consequence: 5 prime UTR variant. On other transcripts: intron variant (1).
Genome position (GRCh38, 1-based): chr3:132,660,529, G>A. VCF-style: chr3-132660529-G-A. GRCh37 (hg19) VCF-style: chr3-132379373-G-A.
Other names: c.-527G>A (NM_001320210.2); c.-493G>A (NM_001321238.2); c.-209G>A (NM_001321239.1); c.-7-5294G>A (NM_198329.4).
Identifiers: ClinVar variation 3031815 (VCV003031815.2), dbSNP rs534709270, ClinGen allele CA2621239.